The following is an entry in ClinVar:

NM_172364.5(CACNA2D4):c.827G>A (p.Cys276Tyr)

Gene: CACNA2D4 (calcium voltage-gated channel auxiliary subunit alpha2delta 4; minus strand). Cytogenetic location: 12p13.33.
Variant type: single nucleotide variant.
Coding change: c.827G>A on transcript NM_172364.5 (MANE Select); coding-DNA position 827, G replaced by A.
Protein change: p.Cys276Tyr; replaces cysteine 276 with tyrosine.
Molecular consequence: missense variant.
Genome position (GRCh38, 1-based): chr12:1,887,024, C>T on the plus strand (G>A on the coding strand, the complement: CACNA2D4 is on the minus strand). VCF-style: chr12-1887024-C-T. GRCh37 (hg19) VCF-style: chr12-1996190-C-T.
Other names: short protein forms C276Y.
Identifiers: ClinVar variation 2729429 (VCV002729429.3), dbSNP rs2497252896, ClinGen allele CA383361382.
Genomic context (GRCh38, chr12:1,887,024, plus strand): 5'-GAGATAAATACCCGGGCCGCAAACCTTTCCCCTGTGAGCTCTTACCAGCCGCGGTTTCGG[C>T]AGTCAAAAGTAATGACTCCATTCTCATCAGGTGTCCATTTTATACCTGGGAGAATAAAGA-3'
Protein context (NP_758952.4, residues 266-286): PDENGVITFD[Cys276Tyr]RNRGWYIQAA

ClinVar aggregate classification (germline): Uncertain significance (1 of 4 stars; one submission).

Submission:

Labcorp Genetics (formerly Invitae), Labcorp
Classification: Uncertain significance. Last evaluated: 2023-06-25. Review status: criteria provided, single submitter. Criteria: Invitae Variant Classification Sherloc (09022015). Collection method: clinical testing. Allele origin: germline.
Comment: An algorithm developed to predict the effect of missense changes on protein structure and function (PolyPhen-2) suggests that this variant is likely to be disruptive. This variant has not been reported in the literature in individuals affected with CACNA2D4-related conditions. This variant is not present in population databases (gnomAD no frequency). This sequence change replaces cysteine, which is neutral and slightly polar, with tyrosine, which is neutral and polar, at codon 276 of the CACNA2D4 protein (p.Cys276Tyr). In summary, the available evidence is currently insufficient to determine the role of this variant in disease. Therefore, it has been classified as a Variant of Uncertain Significance.